The following is an entry in ClinVar:

NM_003235.5(TG):c.7893C>T (p.Ala2631=)

Gene: TG (thyroglobulin; plus strand). Cytogenetic location: 8q24.22.
Variant type: single nucleotide variant.
Coding change: c.7893C>T on transcript NM_003235.5 (MANE Select); coding-DNA position 7893, C replaced by T.
Protein change: p.Ala2631=; no amino-acid change (alanine 2631 retained).
Molecular consequence: synonymous variant.
Genome position (GRCh38, 1-based): chr8:133,131,842, C>T. VCF-style: chr8-133131842-C-T. GRCh37 (hg19) VCF-style: chr8-134144086-C-T.
Other names: c.7893C>T (NM_003235.4).
Identifiers: ClinVar variation 2995384 (VCV002995384.5), dbSNP rs1030133970, ClinGen allele CA186355527.
Genomic context (GRCh38, chr8:133,131,842, plus strand): 5'-TTTGCTGCTGCTTTTCCTCTGTTTTCTCAGCCTGGAGCTGCTGGCGGATGTTCAGTTTGC[C>T]TTGGGGCTTCCCTTCTACCCAGCCTACGAGGGGCAGTTTTCTCTGGAGGAGAAGAGCCTG-3'
Protein context (NP_003226.4, residues 2621-2641): SLELLADVQF[Ala2631=]LGLPFYPAYE

ClinVar aggregate classification (germline): Likely benign. Review status: criteria provided, single submitter (1 of 4 stars). 2 submissions from 2 submitters: Likely benign (1). 1 of the submissions does not count toward it. Last evaluated 2024-02-22.

Conditions:
TG-related disorder. Also called: TG-related condition; TG-related disorders.

Allele frequency attached by ClinVar (database versions not stated): gnomAD 0.00001; gnomAD exomes 0.00002; TOPMed 0.00002.
gnomAD v4.1: 30 of 1,614,078 alleles (0.0019%); highest among the groups gnomAD compares: Non-Finnish European, 0.0024%; no homozygotes.

Submissions (2):

Labcorp Genetics (formerly Invitae), Labcorp
Classification: Likely benign. Last evaluated: 2024-02-22. Review status: criteria provided, single submitter. Criteria: Invitae Variant Classification Sherloc (09022015). Collection method: clinical testing. Allele origin: germline.

PreventionGenetics, part of Exact Sciences
Classification: Likely benign for TG-related condition. Last evaluated: 2022-11-14. Review status: no assertion criteria provided. Collection method: clinical testing. Allele origin: germline. Not counted in ClinVar's aggregate classification.
Comment: This variant is classified as likely benign based on ACMG/AMP sequence variant interpretation guidelines (Richards et al. 2015 PMID: 25741868, with internal and published modifications).